The following is an entry in ClinVar:

NC_000021.9:g.45405393G>T

Genes: BNAT1 (breast cancer associated ESR1 regulating natural antisense transcript 1; minus strand), COL18A1 (collagen type XVIII alpha 1 chain; plus strand). Cytogenetic location: 21q22.3.
Variant type: single nucleotide variant.
Genome position: GRCh38 VCF-style: chr21-45405393-G-T. GRCh37 (hg19) VCF-style: chr21-46825308-G-T.
Other names: NM_130445.2:c.26G>T.
Identifiers: ClinVar variation 894999 (VCV000894999.6), dbSNP rs780315428, ClinGen allele CA10065180.

ClinVar aggregate classification (germline): Uncertain significance. Review status: criteria provided, multiple submitters, no conflicts (2 of 4 stars). 2 submissions from 2 submitters: Uncertain significance (2). Last evaluated 2025-07-14.

Conditions:
Knobloch syndrome (KNO). Also called: RETINAL DETACHMENT AND OCCIPITAL ENCEPHALOCELE; Myopia retinal detachment encephalocele. Identifiers: Orphanet 1571, MedGen C1849409, MONDO:0800166.

Allele frequency attached by ClinVar (database versions not stated): ExAC 0.00045.
gnomAD v4.1: 4 of 1,283,076 alleles (0.00031%); highest among the groups gnomAD compares: Admixed American, 0.0035%; no homozygotes.

Submissions (2):

Labcorp Genetics (formerly Invitae), Labcorp
Classification: Uncertain significance. Last evaluated: 2025-07-14. Review status: criteria provided, single submitter. Criteria: Invitae Variant Classification Sherloc (09022015). Collection method: clinical testing. Allele origin: germline.
Comment: This sequence change replaces tryptophan, which is neutral and slightly polar, with leucine, which is neutral and non-polar, at codon 9 of the COL18A1 protein (p.Trp9Leu). The frequency data for this variant in the population databases is considered unreliable, as metrics indicate poor data quality at this position in the gnomAD database. This variant has not been reported in the literature in individuals affected with COL18A1-related conditions. ClinVar contains an entry for this variant (Variation ID: 894999). Experimental studies and prediction algorithms are not available or were not evaluated, and the functional significance of this variant is currently unknown. In summary, the available evidence is currently insufficient to determine the role of this variant in disease. Therefore, it has been classified as a Variant of Uncertain Significance.

Illumina Laboratory Services, Illumina
Classification: Uncertain significance for Knobloch syndrome 1. Last evaluated: 2018-01-13. Review status: criteria provided, single submitter. Criteria: ICSL Variant Classification Criteria 13 December 2019. Collection method: clinical testing. Allele origin: germline.